The following is an entry in ClinVar:

ClinVar aggregate classification (germline): Uncertain significance (1 of 4 stars; one submission).

Conditions:
TTC21B-related disorder. Also called: TTC21B-related condition; TTC21B-related disorders.

gnomAD v4.1: 1 of 1,613,706 alleles (0.000062%); highest among the groups gnomAD compares: Admixed American, 0.0017%; no homozygotes.

Submission:

PreventionGenetics, part of Exact Sciences
Classification: Uncertain significance for TTC21B-related condition. Last evaluated: 2025-09-19. Review status: criteria provided, single submitter. Criteria: ACMG Guidelines, 2015. Collection method: clinical testing. Allele origin: germline.
Comment: The TTC21B c.519A>T variant is predicted to result in the amino acid substitution p.Gln173His. To our knowledge, this variant has not been reported in the literature. This variant is reported in 0.0029% of alleles in individuals of Latino descent in gnomAD. At this time, the clinical significance of this variant is uncertain due to the absence of conclusive functional and genetic evidence.

NM_024753.5(TTC21B):c.519A>T (p.Gln173His)

Genes: TTC21B (tetratricopeptide repeat domain 21B; minus strand), TTC21B-AS1 (TTC21B antisense RNA 1; plus strand). Cytogenetic location: 2q24.3.
Variant type: single nucleotide variant.
Coding change: c.519A>T on transcript NM_024753.5 (MANE Select); coding-DNA position 519, A replaced by T.
Protein change: p.Gln173His; replaces glutamine 173 with histidine.
Molecular consequence: missense variant.
Genome position (GRCh38, 1-based): chr2:165,943,252, T>A on the plus strand (A>T on the coding strand, the complement: TTC21B is on the minus strand). VCF-style: chr2-165943252-T-A. GRCh37 (hg19) VCF-style: chr2-166799762-T-A.
Other names: short protein forms Q173H.
Identifiers: ClinVar variation 4995092 (VCV004995092.1).